The following is an entry in ClinVar:

NM_001851.6(COL9A1):c.1720-3T>C

Gene: COL9A1 (collagen type IX alpha 1 chain; minus strand). Cytogenetic location: 6q13.
Variant type: single nucleotide variant.
Coding change: c.1720-3T>C on transcript NM_001851.6 (MANE Select); 3 bases into the intron before coding-DNA position 1720, T replaced by C.
Molecular consequence: intron variant.
Genome position (GRCh38, 1-based): chr6:70,253,432, A>G on the plus strand (T>C on the coding strand, the complement: COL9A1 is on the minus strand). VCF-style: chr6-70253432-A-G. GRCh37 (hg19) VCF-style: chr6-70963135-A-G.
Other names: c.991-3T>C (NM_001377290.1, NM_078485.4); c.1021-3T>C (NM_001377289.1).
Identifiers: ClinVar variation 2040746 (VCV002040746.1), dbSNP rs778109649, ClinGen allele CA3882040.
Genomic context (GRCh38, chr6:70,253,432, plus strand): 5'-TAAAATATTTTACCTTTTCACCAGCAACACCCTTTGCACCAGGAATTCCAGGTACACCCT[A>G]AAAGAATACATACACAATCCTAGTTTAATCACCTCCTCTGAGAATCCATGAGATGCCAAG-3'

ClinVar aggregate classification (germline): Uncertain significance (1 of 4 stars; one submission).

Allele frequency attached by ClinVar (database versions not stated): gnomAD exomes below 0.00001; ExAC 0.00001.
gnomAD v4.1: 2 of 1,602,872 alleles (0.00012%); highest among the groups gnomAD compares: South Asian, 0.0022%; no homozygotes.

Submission:

Labcorp Genetics (formerly Invitae), Labcorp
Classification: Uncertain significance. Last evaluated: 2022-07-06. Review status: criteria provided, single submitter. Criteria: Invitae Variant Classification Sherloc (09022015). Collection method: clinical testing. Allele origin: germline.
Comment: This sequence change falls in intron 25 of the COL9A1 gene. It does not directly change the encoded amino acid sequence of the COL9A1 protein. It affects a nucleotide within the consensus splice site. This variant is present in population databases (rs778109649, gnomAD 0.003%). This variant has not been reported in the literature in individuals affected with COL9A1-related conditions. Variants that disrupt the consensus splice site are a relatively common cause of aberrant splicing (PMID: 17576681, 9536098). Algorithms developed to predict the effect of sequence changes on RNA splicing suggest that this variant is not likely to affect RNA splicing. In summary, the available evidence is currently insufficient to determine the role of this variant in disease. Therefore, it has been classified as a Variant of Uncertain Significance.

Literature cited by the submitters: PubMed 17576681; PubMed 9536098.